The following is an entry in ClinVar:

ClinVar aggregate classification (germline): Uncertain significance (1 of 4 stars; one submission).

Conditions:
Inborn genetic diseases. Identifiers: MedGen C0950123, MeSH D030342.

gnomAD v4.1: 2 of 1,587,304 alleles (0.00013%); highest among the groups gnomAD compares: Non-Finnish European, 0.00017%; no homozygotes.

Submission:

Ambry Genetics
Classification: Uncertain significance for Inborn genetic diseases. Last evaluated: 2026-07-11. Review status: criteria provided, single submitter. Criteria: Ambry Variant Classification Scheme 2023. Collection method: clinical testing. Allele origin: germline.
Comment: The p.P106L variant (also known as c.317C>T), located in coding exon 3 of the BMPR2 gene, results from a C to T substitution at nucleotide position 317. The proline at codon 106 is replaced by leucine, an amino acid with similar properties. This amino acid position is conserved. In addition, the in silico prediction for this alteration is inconclusive. Based on the available evidence, the clinical significance of this variant remains unclear.

NM_001204.7(BMPR2):c.317C>T (p.Pro106Leu)

Gene: BMPR2 (bone morphogenetic protein receptor type 2; plus strand). Cytogenetic location: 2q33.1.
Variant type: single nucleotide variant.
Coding change: c.317C>T on transcript NM_001204.7 (MANE Select); coding-DNA position 317, C replaced by T.
Protein change: p.Pro106Leu; replaces proline 106 with leucine.
Molecular consequence: missense variant.
Genome position (GRCh38, 1-based): chr2:202,467,588, C>T. VCF-style: chr2-202467588-C-T. GRCh37 (hg19) VCF-style: chr2-203332311-C-T.
Other names: short protein forms P106L.
Identifiers: ClinVar variation 5033083 (VCV005033083.1).